The following is an entry in ClinVar:

ClinVar aggregate classification (germline): Likely pathogenic (1 of 4 stars; one submission).

Conditions:
CHARGE syndrome (CHARGE). Also called: Coloboma, heart anomaly, choanal atresia, retardation, genital and ear anomalies; CHARGE association; Hall-Hittner syndrome; Hittner Hirsch Kreh syndrome; CHARGE ASSOCIATION--COLOBOMA, HEART ANOMALY, CHOANAL ATRESIA, RETARDATION, GENITAL AND EAR ANOMALIES. Identifiers: Orphanet 138, MedGen C0265354, MONDO:0008965.

Submission:

MGZ Medical Genetics Center
Classification: Likely pathogenic for CHD7-related CHARGE syndrome. Last evaluated: 2022-07-01. Review status: criteria provided, single submitter. Criteria: ACMG Guidelines, 2015. Collection method: clinical testing. Allele origin: germline. Affected: yes. Observed: 1 variant allele.
Comment: ACMG criteria applied: PVS1, PM2_SUP

NM_017780.4(CHD7):c.2377G>T (p.Glu793Ter)

Gene: CHD7 (chromodomain helicase DNA binding protein 7; plus strand). Cytogenetic location: 8q12.2.
Variant type: single nucleotide variant.
Coding change: c.2377G>T on transcript NM_017780.4 (MANE Select); coding-DNA position 2377, G replaced by T.
Protein change: p.Glu793Ter; replaces glutamic acid 793 with a stop codon.
Molecular consequence: nonsense. On other transcripts: intron variant (1).
Genome position (GRCh38, 1-based): chr8:60,801,528, G>T. VCF-style: chr8-60801528-G-T. GRCh37 (hg19) VCF-style: chr8-61714087-G-T.
Other names: c.1716+20478G>T (NM_001316690.1); short protein forms E793*.
Identifiers: ClinVar variation 1709604 (VCV001709604.2), dbSNP rs2487681882, ClinGen allele CA371301216.